The following is an entry in ClinVar:

NM_000152.5(GAA):c.-32-3C>A

Gene: GAA (alpha glucosidase; plus strand). Cytogenetic location: 17q25.3.
Variant type: single nucleotide variant.
Coding change: c.-32-3C>A on transcript NM_000152.5 (MANE Select); 3 bases into the intron before 32 bases upstream of the start codon, C replaced by A.
Molecular consequence: intron variant.
Genome position (GRCh38, 1-based): chr17:80,104,552, C>A. VCF-style: chr17-80104552-C-A. GRCh37 (hg19) VCF-style: chr17-78078351-C-A.
Other names: NM_000152.4(GAA):c.-32-3C>A; c.-32-3C>A (LRG_673t1, NM_001079803.3, NM_001079804.3).
Identifiers: ClinVar variation 371622 (VCV000371622.15), dbSNP rs1055945806, ClinGen allele CA16041878.

ClinVar aggregate classification (germline): Pathogenic. Review status: reviewed by expert panel (3 of 4 stars). 7 submissions from 7 submitters: Pathogenic (1). 6 of the submissions do not count toward it. Last evaluated 2023-11-21.

Conditions:
Glycogen storage disease, type II (IOPD). Also called: GLYCOGENOSIS, GENERALIZED, CARDIAC FORM; Glucosidase acid-1,4-alpha deficiency; Pompe Disease; POMPE DISEASE, INFANTILE-ONSET; GSD II; Glycogen storage disease type 2. Identifiers: Orphanet 365, MedGen C0017921, MONDO:0009290, OMIM 232300.

Allele frequency attached by ClinVar (database versions not stated): TOPMed 0.00001; gnomAD exomes 0.00001.
gnomAD v4.1: 8 of 1,582,320 alleles (0.00051%); highest among the groups gnomAD compares: Non-Finnish European, 0.00069%; no homozygotes.

Submissions (7):

ClinGen Lysosomal Storage Disorder Variant Curation Expert Panel
Classification: Pathogenic for Glycogen storage disease, type II. Last evaluated: 2023-11-21. Review status: reviewed by expert panel. Criteria: clingen_lsd_acmg_specifications_v2-1. Collection method: curation. Allele origin: germline. Inheritance: Autosomal recessive inheritance.
Comment: The NM_000152.5:c.-32-3C>A variant is located in the splice acceptor region of intron 1 and has been shown to impact splicing. In fibroblasts from an individual with Pompe disease who was compound heterozygous for the variant and a missense variant in GAA, RT-PCR revealed loss of exon 2 (p.M1_T182del, which includes the 27 residues of signal sequence, the 42 residues of the propeptide and the first 113 amino acids of the mature protein (from 70 to 182) (PMID: 18429042). A later study, in which the variant was expressed in a minigene, showed that the variant results in about 20% of transcripts with normal splicing of exon 2 (of note, this is a slightly lower level of normal splicing than observed for a well known pathogenic variant in the same splice region, c.-32-13T>G). Abnormal splicing events included complete loss of exon 2 (r.-32_546del) and activation of a cryptic splice site (r.‐32_486del) (PMID: 31301153). Due to loss of a critical region (the signal sequence) in aberrantly spliced transcripts, but with presence of some normal transcript (albeit at a lower level than a known pathogenic variant in the same splice region), PVS1 was applied at the strong level (PMID: 37352859) (PVS1_Strong, PS1_Supporting applied based on recommendations in PMID: 37352859). This variant has been reported in at least 6 probands with late onset Pompe disease including two individuals with documented GAA activity <30% normal in fibroblasts (PMID: 19046416, 21550241) (PP4_Moderate). Two of these probands have been reported to have this variant in compound heterozygosity, phase unknown, with another variant in GAA that has been classified as pathogenic by the ClinGen LD VCEP including c.1655T>C (p.Leu552Pro) (PMID: 18429042) and c.482_483del (PMID: 21550241). In addition, three affected siblings have been reported to be homozygous for the variant (PMID: 19588081, 20464284, 25681614) (PM3). Another three patients are compound heterozygous for the variant and a missense variant (either c.1905C>A (p.Asn635Lys), c.1447G>A (p.Gly483Arg), or c.2173C>T (p.Arg725Trp)) (PMID: 19588081). The allelic data from these patients will be used in the classification of the second variant and is not included here to avoid circular logic. The highest population minor allele frequency in gnomAD v4.0. is 0.000007314 (8/1093866 alleles) in the European non-Finnish populationn, which is lower than the ClinGen Lysosomal Diseases VCEP’s threshold for PM2_Supporting (<0.001), meeting this criterion (PM2_Supporting). There is a ClinVar entry for this variant (Variation ID: 371662). In summary, this variant meets the criteria to be classified as pathogenic for Pompe disease. GAA-specific ACMG/AMP criteria applied, as specified by the ClinGen LSD VCEP (Specifications Version 2.0): PVS1_Strong, PM3, PS1_Supporting, PP4_Moderate, PM2_Supporting. (Classification approved by the ClinGen Lysosomal Diseases Variant Curation Expert Panel on November 21, 2023).

Genomenon, Inc
Classification: Likely pathogenic for Glycogen storage disease, type II. Last evaluated: 2026-07-01. Review status: criteria provided, single submitter. Criteria: Genomenon Sequence Variant Interpretation Standards - Updated. Collection method: curation. Allele origin: germline. Affected: yes. Not counted in ClinVar's aggregate classification.
Comment: GAA c.-32-3C>A is an intronic variant located in the 5′ untranslated region (5′ UTR). This variant has been observed in at least one proband with a GAA-related disorder in the compound heterozygous and/or homozygous state (PMID:25052852;27189384;18429042;20464284;21550241;25681614). At least one splicing study has demonstrated that this variant results in aberrant splicing (PMID:31301153;18429042). It is absent or not present at a significant frequency in gnomAD. In conclusion, we classify GAA c.-32-3C>A as a likely pathogenic variant.

Labcorp Genetics (formerly Invitae), Labcorp
Classification: Pathogenic for Glycogen storage disease, type II. Last evaluated: 2025-03-05. Review status: criteria provided, single submitter. Criteria: Invitae Variant Classification Sherloc (09022015). Collection method: clinical testing. Allele origin: germline. Not counted in ClinVar's aggregate classification.
Comment: This sequence change falls in intron 1 of the GAA gene. It does not directly change the encoded amino acid sequence of the GAA protein. RNA analysis indicates that this variant induces altered splicing and is likely to result in the loss of the initiator methionine. This variant is not present in population databases (gnomAD no frequency). This variant has been observed in individuals with glycogen storage disease type II (PMID: 18429042, 19588081, 20464284). It has also been observed to segregate with disease in related individuals. ClinVar contains an entry for this variant (Variation ID: 371622). Studies have shown that this variant results in skipping of exon 2, and is expected to result in the loss of the initiator methionine (PMID: 18429042). For these reasons, this variant has been classified as Pathogenic.

Natera, Inc.
Classification: Pathogenic for Glycogen storage disease type II. Last evaluated: 2024-09-03. Review status: criteria provided, single submitter. Criteria: Natera Variant Classification Schema (03/2026). Collection method: clinical testing. Allele origin: germline. Not counted in ClinVar's aggregate classification.
Comment: The c.-32-3C>A variant in GAA is a 5' untranslated region (UTR) variant located upstream of the translation start codon. This variant is rare in the general population with a frequency below the threshold expected for the associated phenotype(s). This variant has been observed in one or more individuals affected with the associated recessive disease, as either homozygous or compound heterozygous with a second variant (PMID: 19588081). Additionally, this variant has been observed to segregate in affected family members (PMID: 19588081). Given the available evidence, this variant is classified as Pathogenic.

Baylor Genetics
Classification: Pathogenic for Glycogen storage disease, type II. Last evaluated: 2024-01-28. Review status: criteria provided, single submitter. Criteria: ACMG Guidelines, 2015. Collection method: clinical testing. Allele origin: unknown. Not counted in ClinVar's aggregate classification.

Women's Health and Genetics/Laboratory Corporation of America, LabCorp
Classification: Pathogenic for Glycogen storage disease, type II. Last evaluated: 2022-03-09. Review status: criteria provided, single submitter. Criteria: LabCorp Variant Classification Summary - May 2015. Collection method: clinical testing. Allele origin: germline. Not counted in ClinVar's aggregate classification.
Comment: Variant summary: Several computational tools predict a significant impact on normal splicing: Four predict the variant weakens a canonical 3' acceptor site. Goina_2019 have shown c.-32-3C>A and -32-3C>G results in exon 2 skipping. The variant was absent in 233126 control chromosomes (gnomAD). c.-32-3C>A has been reported in multiple individuals homozygous and compound heterozygous affected with Glycogen Storage Disease, Type 2 (Pompe Disease) and this variant was segregated with disease in at least one family (examples: Oba-Shinjo_2009 and Grzesiuk_2010). The variant also segregated with the disease. These data indicate that the variant is very likely to be associated with disease. Two clinical diagnostic laboratories have submitted clinical-significance assessments for this variant to ClinVar after 2014 and classified the variant as pathogenic (n=1) and likely pathogenic (n=1). Based on the evidence outlined above, the variant was classified as pathogenic.

Counsyl
Classification: Likely pathogenic for Glycogen storage disease, type II. Last evaluated: 2016-11-02. Review status: no assertion criteria provided. Collection method: clinical testing. Allele origin: unknown. Not counted in ClinVar's aggregate classification.

Literature cited by the submitters: PubMed 25052852 (cited by Genomenon, Inc); PubMed 27189384 (cited by Genomenon, Inc); PubMed 18429042 (cited by 3 submitters); PubMed 20464284 (cited by 3 submitters); PubMed 21550241 (cited by Genomenon, Inc); PubMed 25681614 (cited by Genomenon, Inc); PubMed 31301153 (cited by Genomenon, Inc and Women's Health and Genetics/Laboratory Corporation of America, LabCorp); PubMed 19588081 (cited by 4 submitters).